The following is an entry in ClinVar:

NM_001018113.3(FANCB):c.1256T>C (p.Ile419Thr)

Gene: FANCB (FA complementation group B; minus strand). Cytogenetic location: Xp22.2.
Variant type: single nucleotide variant.
Coding change: c.1256T>C on transcript NM_001018113.3 (MANE Select); coding-DNA position 1256, T replaced by C.
Protein change: p.Ile419Thr; replaces isoleucine 419 with threonine.
Molecular consequence: missense variant.
Genome position (GRCh38, 1-based): chrX:14,853,109, A>G on the plus strand (T>C on the coding strand, the complement: FANCB is on the minus strand). VCF-style: chrX-14853109-A-G. GRCh37 (hg19) VCF-style: chrX-14871231-A-G.
Other names: c.1256T>C, p.Ile419Thr (NM_001324162.2, NM_001410764.1, NM_152633.4); short protein forms I419T.
Identifiers: ClinVar variation 2172412 (VCV002172412.3), dbSNP rs759581894, ClinGen allele CA10353082.

ClinVar aggregate classification (germline): Uncertain significance (1 of 4 stars; one submission).

Conditions:
Fanconi anemia (FA). Also called: Fanconi's anemia. Identifiers: Orphanet 84, MedGen C0015625, MeSH D005199, MONDO:0019391.

Allele frequency attached by ClinVar (database versions not stated): ExAC 0.00001; gnomAD 0.00001; 1000 Genomes Project 30x 0.00021; 1000 Genomes Project 0.00026.
gnomAD v4.1: 2 of 1,202,951 alleles (0.00017%); highest among the groups gnomAD compares: Admixed American, 0.0044%; no homozygotes.

Submission:

Labcorp Genetics (formerly Invitae), Labcorp
Classification: Uncertain significance for Fanconi anemia. Last evaluated: 2025-01-08. Review status: criteria provided, single submitter. Criteria: Invitae Variant Classification Sherloc (09022015). Collection method: clinical testing. Allele origin: germline.
Comment: This sequence change replaces isoleucine, which is neutral and non-polar, with threonine, which is neutral and polar, at codon 419 of the FANCB protein (p.Ile419Thr). This variant is present in population databases (rs759581894, gnomAD 0.004%), including at least one homozygous and/or hemizygous individual. This variant has not been reported in the literature in individuals affected with FANCB-related conditions. ClinVar contains an entry for this variant (Variation ID: 2172412). Invitae Evidence Modeling of protein sequence and biophysical properties (such as structural, functional, and spatial information, amino acid conservation, physicochemical variation, residue mobility, and thermodynamic stability) indicates that this missense variant is expected to disrupt FANCB protein function with a positive predictive value of 80%. In summary, the available evidence is currently insufficient to determine the role of this variant in disease. Therefore, it has been classified as a Variant of Uncertain Significance.